The following is an entry in ClinVar:

NM_018077.3(RBM28):c.2273A>G (p.Asp758Gly)

Gene: RBM28 (RNA binding motif protein 28; minus strand). Cytogenetic location: 7q32.1.
Variant type: single nucleotide variant.
Coding change: c.2273A>G on transcript NM_018077.3 (MANE Select); coding-DNA position 2273, A replaced by G.
Protein change: p.Asp758Gly; replaces aspartic acid 758 with glycine.
Molecular consequence: missense variant.
Genome position (GRCh38, 1-based): chr7:128,310,804, T>C on the plus strand (A>G on the coding strand, the complement: RBM28 is on the minus strand). VCF-style: chr7-128310804-T-C. GRCh37 (hg19) VCF-style: chr7-127950857-T-C.
Other names: c.1850A>G, p.Asp617Gly (NM_001166135.2); short protein forms D758G, D617G.
Identifiers: ClinVar variation 599472 (VCV000599472.14), dbSNP rs148028531, ClinGen allele CA4469748.
Genomic context (GRCh38, chr7:128,310,804, plus strand): 5'-GAGTGTCACCAGAAAGTACACAACCCAGCTTCTTACCCAGCCTGCTGCCATCATCAACTA[T>C]CAAACCATTTGCTCCTCTTTGCAAGAGGTGCTCCTTTAGAAGGTCCCAATAATTTCTGCT-3'
Protein context (NP_060547.2, residues 748-759): APLAKRSKWF[Asp758Gly]S

ClinVar aggregate classification (germline): Benign/Likely benign. Review status: criteria provided, multiple submitters, no conflicts (2 of 4 stars). 2 submissions from 2 submitters: Benign (1); Likely benign (1). Last evaluated 2026-03-01.

Allele frequency attached by ClinVar (database versions not stated): 1000 Genomes Project 30x 0.00016; 1000 Genomes Project 0.00020; gnomAD 0.00123 and 0.00125; TOPMed 0.00124; ESP Exome Variant Server 0.00161.
gnomAD v4.1: 2,599 of 1,614,144 alleles (0.16%); highest among the groups gnomAD compares: Non-Finnish European, 0.2%; 6 homozygotes.

Submissions (2):

CeGaT Center for Human Genetics Tuebingen
Classification: Likely benign. Last evaluated: 2026-03-01. Review status: criteria provided, single submitter. Criteria: CeGaT Center For Human Genetics Tuebingen Variant Classification Criteria Version 2. Collection method: clinical testing. Allele origin: germline. Affected: yes. Observed: 2 variant alleles.
Comment: RBM28: BS2

Institute for Genomic Medicine (IGM) Clinical Laboratory, Nationwide Children's Hospital
Classification: Benign. Last evaluated: 2017-06-30. Review status: criteria provided, single submitter. Criteria: ACMG Guidelines, 2015. Collection method: clinical testing. Allele origin: germline.
Comment: BS1, BS2; This alteration has an allele frequency that is greater than expected for the associated disease, and was seen in a healthy adult where full penetrance of the disorder is expected at an early age.